The following is an entry in ClinVar:

ClinVar aggregate classification (germline): Pathogenic. Review status: criteria provided, multiple submitters, no conflicts (2 of 4 stars). 3 submissions from 3 submitters: Pathogenic (2). 1 of the submissions does not count toward it. Last evaluated 2023-06-12.

Conditions:
Glycogen phosphorylase kinase deficiency. Also called: Phosphorylase Kinase Deficiency; Glycogen Storage Disease Type IX. Identifiers: Orphanet 370, MedGen C0268147, MONDO:0700291.
Glycogen storage disease IXd (GSD9D). Also called: GSD IXd; Muscle Phosphorylase Kinase Deficiency. Identifiers: Orphanet 715, MedGen C1845151, MONDO:0010362, OMIM 300559.

Allele frequency attached by ClinVar (database versions not stated): gnomAD exomes below 0.00001; TOPMed 0.00002.
gnomAD v4.1: 5 of 1,197,148 alleles (0.00042%); highest among the groups gnomAD compares: South Asian, 0.0035%; no homozygotes.

Submissions (3):

Women's Health and Genetics/Laboratory Corporation of America, LabCorp
Classification: Pathogenic for Glycogen phosphorylase kinase deficiency. Last evaluated: 2023-06-12. Review status: criteria provided, single submitter. Criteria: LabCorp Variant Classification Summary - May 2015. Collection method: clinical testing. Allele origin: germline.
Comment: Variant summary: PHKA1 c.892C>T (p.Arg298X) results in a premature termination codon, predicted to cause a truncation of the encoded protein or absence of the protein due to nonsense mediated decay, which are commonly known mechanisms for disease. The variant was absent in 183265 control chromosomes (gnomAD). To our knowledge, no occurrence of c.892C>T in individuals affected with Glycogen Phosphorylase Kinase Deficiency and no experimental evidence demonstrating its impact on protein function have been reported. One clinical diagnostic laboratory has submitted clinical-significance assessments for this variant to ClinVar after 2014 and classified the variant as pathogenic. Based on the evidence outlined above, the variant was classified as pathogenic.

Labcorp Genetics (formerly Invitae), Labcorp
Classification: Pathogenic for Glycogen storage disease IXd. Last evaluated: 2022-08-05. Review status: criteria provided, single submitter. Criteria: Invitae Variant Classification Sherloc (09022015). Collection method: clinical testing. Allele origin: germline.
Comment: This sequence change creates a premature translational stop signal (p.Arg298*) in the PHKA1 gene. It is expected to result in an absent or disrupted protein product. Loss-of-function variants in PHKA1 are known to be pathogenic (PMID: 9731190, 15637709). This variant is not present in population databases (gnomAD no frequency). This variant has not been reported in the literature in individuals affected with PHKA1-related conditions. ClinVar contains an entry for this variant (Variation ID: 578746). For these reasons, this variant has been classified as Pathogenic.

Institute of Human Genetics, University of Wuerzburg
Classification: Pathogenic for Glycogen storage disease IXd. Review status: no assertion criteria provided. Collection method: clinical testing. Allele origin: unknown. Affected: yes. Observed: 1 variant allele. Not counted in ClinVar's aggregate classification.

Literature cited by the submitters: PubMed 9731190 (cited by Labcorp Genetics (formerly Invitae), Labcorp); PubMed 15637709 (cited by Labcorp Genetics (formerly Invitae), Labcorp).

NM_002637.4(PHKA1):c.892C>T (p.Arg298Ter)

Gene: PHKA1 (phosphorylase kinase regulatory subunit alpha 1; minus strand). Cytogenetic location: Xq13.1.
Variant type: single nucleotide variant.
Coding change: c.892C>T on transcript NM_002637.4 (MANE Select); coding-DNA position 892, C replaced by T.
Protein change: p.Arg298Ter; replaces arginine 298 with a stop codon.
Molecular consequence: nonsense.
Genome position (GRCh38, 1-based): chrX:72,657,614, G>A on the plus strand (C>T on the coding strand, the complement: PHKA1 is on the minus strand). VCF-style: chrX-72657614-G-A. GRCh37 (hg19) VCF-style: chrX-71877464-G-A.
Other names: c.892C>T, p.Arg298Ter (NM_001122670.2, NM_001172436.2); short protein forms R298*.
Identifiers: ClinVar variation 578746 (VCV000578746.8), dbSNP rs1256371424, ClinGen allele CA413593844.
Genomic context (GRCh38, chrX:72,657,614, plus strand): 5'-TACCTTGGATTCATTTTGGAGAAAAGAAACCTACCTCTTTAGGAGTTTTATATCCATCTC[G>A]TAGAAAGCGACAGCAACCATAACGACCCTGGGAATACAAAGAAAAAAGGTCAGCAGCTTG-3'